The following is an entry in ClinVar:

ClinVar aggregate classification (germline): Benign. Review status: criteria provided, single submitter (1 of 4 stars). 2 submissions from 2 submitters: Benign (1). 1 of the submissions does not count toward it. Last evaluated 2025-12-22.

Conditions:
KLHL9-related disorder. Also called: KLHL9-related condition.

Allele frequency attached by ClinVar (database versions not stated): gnomAD exomes 0.00059; ExAC 0.00069; 1000 Genomes Project 0.00160; 1000 Genomes Project 30x 0.00203; gnomAD 0.00218 and 0.00238; TOPMed 0.00250; ESP Exome Variant Server 0.00269.
gnomAD v4.1: 668 of 1,613,832 alleles (0.041%); highest among the groups gnomAD compares: African/African-American, 0.85%; 5 homozygotes.

Submissions (2):

Labcorp Genetics (formerly Invitae), Labcorp
Classification: Benign. Last evaluated: 2025-12-22. Review status: criteria provided, single submitter. Criteria: Invitae Variant Classification Sherloc (09022015). Collection method: clinical testing. Allele origin: germline.

PreventionGenetics, part of Exact Sciences
Classification: Benign for KLHL9-related condition. Last evaluated: 2019-08-15. Review status: no assertion criteria provided. Collection method: clinical testing. Allele origin: germline. Not counted in ClinVar's aggregate classification.
Comment: This variant is classified as benign based on ACMG/AMP sequence variant interpretation guidelines (Richards et al. 2015 PMID: 25741868, with internal and published modifications).

NM_018847.4(KLHL9):c.992C>T (p.Ala331Val)

Gene: KLHL9 (kelch like family member 9; minus strand). Cytogenetic location: 9p21.3.
Variant type: single nucleotide variant.
Coding change: c.992C>T on transcript NM_018847.4 (MANE Select); coding-DNA position 992, C replaced by T.
Protein change: p.Ala331Val; replaces alanine 331 with valine.
Molecular consequence: missense variant.
Genome position (GRCh38, 1-based): chr9:21,333,868, G>A on the plus strand (C>T on the coding strand, the complement: KLHL9 is on the minus strand). VCF-style: chr9-21333868-G-A. GRCh37 (hg19) VCF-style: chr9-21333867-G-A.
Other names: c.992C>T (NM_018847.3); short protein forms A331V.
Identifiers: ClinVar variation 1545894 (VCV001545894.10), dbSNP rs76705600, ClinGen allele CA5010558.
Genomic context (GRCh38, chr9:21,333,868, plus strand): 5'-ACATAAAGAAAGTTTCCAATGACAGCAATACCATGCTGGTAACGGGGAGCATCCATTGGG[G>A]CTAAAGATCTCCATTCTTGTGCCCTTTCATCATACATCCGTAATTCTTTACTGACAACCA-3'
Protein context (NP_061335.1, residues 321-341): DERAQEWRSL[Ala331Val]PMDAPRYQHG